The following is an entry in ClinVar:

NM_182961.4(SYNE1):c.16909T>A (p.Phe5637Ile)

Genes: SYNE1 (spectrin repeat containing nuclear envelope protein 1; minus strand), LOC126859837 (BRD4-independent group 4 enhancer GRCh37_chr6:152630775-152631974; plus strand). Cytogenetic location: 6q25.2.
Variant type: single nucleotide variant.
Coding change: c.16909T>A on transcript NM_182961.4 (MANE Select); coding-DNA position 16909, T replaced by A.
Protein change: p.Phe5637Ile; replaces phenylalanine 5637 with isoleucine.
Molecular consequence: missense variant.
Genome position (GRCh38, 1-based): chr6:152,310,506, A>T on the plus strand (T>A on the coding strand, the complement: SYNE1 is on the minus strand). VCF-style: chr6-152310506-A-T. GRCh37 (hg19) VCF-style: chr6-152631641-A-T.
Other names: c.16696T>A, p.Phe5566Ile (NM_033071.5); short protein forms F5637I, F5566I.
Identifiers: ClinVar variation 2042494 (VCV002042494.4), dbSNP rs1267969296, ClinGen allele CA366107612.

ClinVar aggregate classification (germline): Uncertain significance (1 of 4 stars; one submission).

Conditions:
Emery-Dreifuss muscular dystrophy 4, autosomal dominant (EDMD4). Also called: EMERY-DREIFUSS MUSCULAR DYSTROPHY 4 WITH VARIABLE FEATURES. Identifiers: Orphanet 261, MedGen C2751807, MONDO:0013071, OMIM 612998.
Autosomal recessive ataxia, Beauce type. Also called: SYNE1 Deficiency; Spinocerebellar ataxia, autosomal recessive 8; ATAXIA, RECESSIVE, OF BEAUCE; SYNE1-Related Autosomal Recessive Cerebellar Ataxia. Identifiers: Orphanet 88644, MedGen C1853116, MONDO:0012549, OMIM 610743.

gnomAD v4.1: 29 of 1,613,854 alleles (0.0018%); highest among the groups gnomAD compares: Non-Finnish European, 0.0023%; no homozygotes.

Submission:

Labcorp Genetics (formerly Invitae), Labcorp
Classification: Uncertain significance for Emery-Dreifuss muscular dystrophy 4, autosomal dominant; Autosomal recessive ataxia, Beauce type. Last evaluated: 2022-04-06. Review status: criteria provided, single submitter. Criteria: Invitae Variant Classification Sherloc (09022015). Collection method: clinical testing. Allele origin: germline.
Comment: In summary, the available evidence is currently insufficient to determine the role of this variant in disease. Therefore, it has been classified as a Variant of Uncertain Significance. Algorithms developed to predict the effect of missense changes on protein structure and function are either unavailable or do not agree on the potential impact of this missense change (SIFT: "Deleterious"; PolyPhen-2: "Possibly Damaging"; Align-GVGD: "Class C15"). This variant has not been reported in the literature in individuals affected with SYNE1-related conditions. This variant is present in population databases (no rsID available, gnomAD 0.0009%). This sequence change replaces phenylalanine, which is neutral and non-polar, with isoleucine, which is neutral and non-polar, at codon 5566 of the SYNE1 protein (p.Phe5566Ile).